The following is an entry in ClinVar:

NM_003803.4(MYOM1):c.73A>T (p.Thr25Ser)

Gene: MYOM1 (myomesin 1; minus strand). Cytogenetic location: 18p11.31.
Variant type: single nucleotide variant.
Coding change: c.73A>T on transcript NM_003803.4 (MANE Select); coding-DNA position 73, A replaced by T.
Protein change: p.Thr25Ser; replaces threonine 25 with serine.
Molecular consequence: missense variant.
Genome position (GRCh38, 1-based): chr18:3,215,151, T>A on the plus strand (A>T on the coding strand, the complement: MYOM1 is on the minus strand). VCF-style: chr18-3215151-T-A. GRCh37 (hg19) VCF-style: chr18-3215149-T-A.
Other names: c.73A>T, p.Thr25Ser (NM_019856.2); short protein forms T25S.
Identifiers: ClinVar variation 3877138 (VCV003877138.1).

ClinVar aggregate classification (germline): Uncertain significance (1 of 4 stars; one submission).

Submission:

Ambry Genetics
Classification: Uncertain significance. Last evaluated: 2025-01-10. Review status: criteria provided, single submitter. Criteria: Ambry Variant Classification Scheme 2023. Collection method: clinical testing. Allele origin: germline.
Comment: The p.T25S variant (also known as c.73A>T), located in coding exon 1 of the MYOM1 gene, results from an A to T substitution at nucleotide position 73. The threonine at codon 25 is replaced by serine, an amino acid with similar properties. This amino acid position is conserved. In addition, this alteration is predicted to be tolerated by in silico analysis. Based on the available evidence, the clinical significance of this variant remains unclear.